The following is an entry in ClinVar:

NM_033380.3(COL4A5):c.3898G>A (p.Gly1300Ser)

Gene: COL4A5 (collagen type IV alpha 5 chain; plus strand). Cytogenetic location: Xq22.3.
Variant type: single nucleotide variant.
Coding change: c.3898G>A on transcript NM_033380.3 (MANE Select); coding-DNA position 3898, G replaced by A.
Protein change: p.Gly1300Ser; replaces glycine 1300 with serine.
Molecular consequence: missense variant.
Genome position (GRCh38, 1-based): chrX:108,677,589, G>A. VCF-style: chrX-108677589-G-A. GRCh37 (hg19) VCF-style: chrX-107920819-G-A.
Other names: c.3880G>A, p.Gly1294Ser (NM_000495.5); short protein forms G1294S, G1300S.
Identifiers: ClinVar variation 1067226 (VCV001067226.12), dbSNP rs2147975020, ClinGen allele CA413850832.

ClinVar aggregate classification (germline): Likely pathogenic. Review status: criteria provided, multiple submitters, no conflicts (2 of 4 stars). 2 submissions from 2 submitters: Likely pathogenic (2). Last evaluated 2022-02-02.

Conditions:
Alport syndrome. Also called: Hemorrhagic familial nephritis; Hemorrhagic hereditary nephritis; Congenital hereditary hematuria. Identifiers: Orphanet 63, MedGen C1567741, MONDO:0018965.

Submissions (2):

Victorian Clinical Genetics Services, Murdoch Childrens Research Institute
Classification: Likely pathogenic for Alport syndrome. Last evaluated: 2022-02-02. Review status: criteria provided, single submitter. Criteria: ACMG Guidelines, 2015. Collection method: clinical testing. Allele origin: germline. Inheritance: X-linked inheritance.
Comment: Based on the classification scheme VCGS_Germline_v1.3.4, this variant is classified as likely pathogenic. The following criteria are met: 0103 - Dominant negative and loss of function are known mechanisms of disease in this gene and are both associated with X-linked Alport syndrome 1 (MIM#301050). Glycine changes that are part of a G-X-Y repeat in the triple helix of a collagen domain are known to have a dominant-negative effect (PMID: 12028435). (I) 0110 - This gene is associated with X-linked dominant disease. (I) 0200 - Variant is predicted to result in a missense amino acid change from glycine to serine. (I) 0251 - This variant is heterozygous. (I) 0301 - Variant is absent from gnomAD (both v2 and v3). (SP) 0309 - An alternative amino acid change at the same position has been observed in gnomAD (v2 and v3) (1 heterozygote, 0 homozygotes, 0 hemizygotes). (I) 0501 - Missense variant consistently predicted to be damaging by multiple in silico tools or highly conserved with a major amino acid change. (SP) 0601 - Variant is located in the well-established functional collagen triple helix repeat region (NCBI, PDB). (SP) 0705 - No comparable missense variants have previous evidence for pathogenicity. (I) 0803 - This variant has limited previous evidence of pathogenicity in an individual. This variant has been reported once as likely pathogenic in ClinVar. (SP) 0905 - No published segregation evidence has been identified for this variant. (I) 1007 - No published functional evidence has been identified for this variant. (I) Legend: (SP) - Supporting pathogenic, (I) - Information, (SB) - Supporting benign

Labcorp Genetics (formerly Invitae), Labcorp
Classification: Likely pathogenic. Last evaluated: 2020-01-21. Review status: criteria provided, single submitter. Criteria: Invitae Variant Classification Sherloc (09022015). Collection method: clinical testing. Allele origin: germline.
Comment: In summary, the currently available evidence indicates that the variant is pathogenic, but additional data are needed to prove that conclusively. Therefore, this variant has been classified as Likely Pathogenic. Glycine residues within the Gly-Xaa-Yaa repeats of the triple helix domain are required for the structure and stability of fibrillar collagens (PMID: 7695699, 8218237, 19344236). In COL4A5, missense variants at these glycine residues are significantly enriched in individuals with disease (PMID: 23720012, 27627812) compared to the general population (ExAC). Algorithms developed to predict the effect of missense changes on protein structure and function are either unavailable or do not agree on the potential impact of this missense change (SIFT: "Deleterious"; PolyPhen-2: "Probably Damaging"; Align-GVGD: "Class C0"). This variant has not been reported in the literature in individuals with COL4A5-related conditions. This variant is not present in population databases (ExAC no frequency). This sequence change replaces glycine with serine at codon 1294 of the COL4A5 protein (p.Gly1294Ser). The glycine residue is highly conserved and there is a small physicochemical difference between glycine and serine.

Literature cited by the submitters: PubMed 12028435 (cited by Victorian Clinical Genetics Services, Murdoch Childrens Research Institute); PubMed 7695699 (cited by Labcorp Genetics (formerly Invitae), Labcorp); PubMed 8218237 (cited by Labcorp Genetics (formerly Invitae), Labcorp); PubMed 19344236 (cited by Labcorp Genetics (formerly Invitae), Labcorp); PubMed 23720012 (cited by Labcorp Genetics (formerly Invitae), Labcorp); PubMed 27627812 (cited by Labcorp Genetics (formerly Invitae), Labcorp).